The following is an entry in ClinVar:

NM_002949.4(MRPL12):c.497A>G (p.Glu166Gly)

Gene: MRPL12 (mitochondrial ribosomal protein L12; plus strand). Cytogenetic location: 17q25.3.
Variant type: single nucleotide variant.
Coding change: c.497A>G on transcript NM_002949.4 (MANE Select); coding-DNA position 497, A replaced by G.
Protein change: p.Glu166Gly; replaces glutamic acid 166 with glycine.
Molecular consequence: missense variant.
Genome position (GRCh38, 1-based): chr17:81,707,140, A>G. VCF-style: chr17-81707140-A-G. GRCh37 (hg19) VCF-style: chr17-79674170-A-G.
Other names: short protein forms E166G.
Identifiers: ClinVar variation 2032168 (VCV002032168.4), dbSNP rs2509860624, ClinGen allele CA401513249.

ClinVar aggregate classification (germline): Uncertain significance (1 of 4 stars; one submission).

Submission:

Labcorp Genetics (formerly Invitae), Labcorp
Classification: Uncertain significance. Last evaluated: 2022-09-23. Review status: criteria provided, single submitter. Criteria: Invitae Variant Classification Sherloc (09022015). Collection method: clinical testing. Allele origin: germline.
Comment: Algorithms developed to predict the effect of missense changes on protein structure and function (SIFT, PolyPhen-2, Align-GVGD) all suggest that this variant is likely to be disruptive. This sequence change replaces glutamic acid, which is acidic and polar, with glycine, which is neutral and non-polar, at codon 166 of the MRPL12 protein (p.Glu166Gly). This variant is not present in population databases (gnomAD no frequency). This variant has not been reported in the literature in individuals affected with MRPL12-related conditions. In summary, the available evidence is currently insufficient to determine the role of this variant in disease. Therefore, it has been classified as a Variant of Uncertain Significance.